The following is an entry in ClinVar:

ClinVar aggregate classification (germline): Likely pathogenic (1 of 4 stars; one submission).

Submission:

GeneDx
Classification: Likely pathogenic. Last evaluated: 2017-01-09. Review status: criteria provided, single submitter. Criteria: GeneDx Variant Classification (06012015). Collection method: clinical testing. Allele origin: germline. Affected: yes.
Comment: The c.465_481dup17 variant in the EPOR gene has not been reported previously as a pathogenic variant nor as a benign variant, to our knowledge. The c.465_481dup17 variant causes a frameshift starting with codon Histidine 161, changes this amino acid to an Arginine residue, and creates a premature Stop codon at position 8 of the new reading frame, denoted p.His161ArgfsX8. This variant is predicted to cause loss of normal protein function either through protein truncation or nonsense-mediated mRNA decay. The c.465_481dup17 variant was not observed in approximately 6500 individuals of European and African American ancestry in the NHLBI Exome Sequencing Project, indicating it is not a common benign variant in these populations. We interpret c.465_481dup17 as a likely pathogenic variant.

NM_000121.4(EPOR):c.465_481dup (p.His161fs)

Gene: EPOR (erythropoietin receptor; minus strand). Cytogenetic location: 19p13.2.
Variant type: Duplication.
Coding change: c.465_481dup on transcript NM_000121.4 (MANE Select); coding-DNA positions 465 to 481, 17 bases duplicated (GGCTGACGAGAGCGGCC).
Protein change: p.His161fs; shifts the reading frame from histidine 161.
Molecular consequence: frameshift variant. On other transcripts: non-coding transcript variant (1).
Genome position (GRCh38, 1-based): chr19:11,381,796-11,381,812, GGCCGCTCTCGTCAGCC duplicated on the plus strand (GGCTGACGAGAGCGGCC on the coding strand, the reverse complement: EPOR is on the minus strand). VCF-style (leftmost placement, unchanged base first): chr19-11381795-T-TGGCCGCTCTCGTCAGCC. GRCh37 (hg19) VCF-style: chr19-11492471-T-TGGCCGCTCTCGTCAGCC.
Other names: c.465_481dupGGCTGACGAGAGCGGCC (NM_000121.3); short protein forms H161fs.
Identifiers: ClinVar variation 423071 (VCV000423071.2), dbSNP rs1555716523, ClinGen allele CA16620740.